The following is an entry in ClinVar:

ClinVar aggregate classification (germline): Conflicting classifications of pathogenicity. Review status: criteria provided, conflicting classifications (1 of 4 stars). 4 submissions from 4 submitters: Uncertain significance (2); Likely benign (1). 1 of the submissions does not count toward it. Last evaluated 2026-01-07.

Conditions:
Hereditary cancer-predisposing syndrome. Also called: Tumor predisposition; Hereditary neoplastic syndrome; Hereditary Cancer Syndrome; Neoplastic Syndromes, Hereditary. Identifiers: Orphanet 140162, MedGen C0027672, MeSH D009386, MONDO:0015356.
Gastrointestinal stromal tumor. Also called: Gastrointestinal stromal tumor, somatic; Gastrointestinal stroma tumor. Identifiers: Orphanet 44890, MedGen C0238198, MeSH D046152, MONDO:0011719, OMIM 606764, HP:0100723.

Allele frequency attached by ClinVar (database versions not stated): gnomAD exomes below 0.00001 and 0.00001; ExAC 0.00002; ESP Exome Variant Server 0.00008.
gnomAD v4.1: 5 of 1,613,976 alleles (0.00031%); highest among the groups gnomAD compares: East Asian, 0.0022%; no homozygotes.

Submissions (4):

Labcorp Genetics (formerly Invitae), Labcorp
Classification: Uncertain significance for Gastrointestinal stromal tumor. Last evaluated: 2026-01-07. Review status: criteria provided, single submitter. Criteria: Invitae Variant Classification Sherloc (09022015). Collection method: clinical testing. Allele origin: germline.
Comment: This sequence change replaces threonine, which is neutral and polar, with isoleucine, which is neutral and non-polar, at codon 436 of the PDGFRA protein (p.Thr436Ile). This variant is present in population databases (rs139920579, gnomAD 0.006%). This variant has not been reported in the literature in individuals affected with PDGFRA-related conditions. ClinVar contains an entry for this variant (Variation ID: 135030). Invitae Evidence Modeling of protein sequence and biophysical properties (such as structural, functional, and spatial information, amino acid conservation, physicochemical variation, residue mobility, and thermodynamic stability) indicates that this missense variant is not expected to disrupt PDGFRA protein function with a negative predictive value of 80%. In summary, the available evidence is currently insufficient to determine the role of this variant in disease. Therefore, it has been classified as a Variant of Uncertain Significance.

GeneDx
Classification: Uncertain significance. Last evaluated: 2025-04-10. Review status: criteria provided, single submitter. Criteria: GeneDx Variant Classification Process June 2021. Collection method: clinical testing. Allele origin: germline.
Comment: Not observed at significant frequency in large population cohorts (gnomAD); In silico analysis indicates that this missense variant does not alter protein structure/function; Has not been previously published as pathogenic or benign to our knowledge

Ambry Genetics
Classification: Likely benign for Hereditary cancer-predisposing syndrome. Last evaluated: 2025-04-02. Review status: criteria provided, single submitter. Criteria: Ambry Variant Classification Scheme 2023. Collection method: clinical testing. Allele origin: germline.

ITMI
No classification provided. Condition: AllHighlyPenetrant. Last evaluated: 2013-09-19. Review status: no classification provided. Collection method: reference population. Allele origin: germline. Not counted in ClinVar's aggregate classification.
Comment: Please see associated publication for description of ethnicities

Literature cited by the submitters: PubMed 24728327 (cited by ITMI).

NM_006206.6(PDGFRA):c.1307C>T (p.Thr436Ile)

Gene: PDGFRA (platelet derived growth factor receptor alpha; plus strand). Cytogenetic location: 4q12.
Variant type: single nucleotide variant.
Coding change: c.1307C>T on transcript NM_006206.6 (MANE Select); coding-DNA position 1307, C replaced by T.
Protein change: p.Thr436Ile; replaces threonine 436 with isoleucine.
Molecular consequence: missense variant.
Genome position (GRCh38, 1-based): chr4:54,272,463, C>T. VCF-style: chr4-54272463-C-T. GRCh37 (hg19) VCF-style: chr4-55138630-C-T.
Other names: c.1307C>T, p.Thr436Ile (NM_001347827.2, NM_001347829.2); c.1382C>T, p.Thr461Ile (NM_001347828.2); c.1346C>T, p.Thr449Ile (NM_001347830.2); short protein forms T436I, T449I, T461I.
Identifiers: ClinVar variation 135030 (VCV000135030.14), dbSNP rs139920579, ClinGen allele CA161462.